The following is an entry in ClinVar:

NM_001201543.2(FAM161A):c.1754A>G (p.Lys585Arg)

Gene: FAM161A (FAM161 centrosomal protein A; minus strand). Cytogenetic location: 2p15.
Variant type: single nucleotide variant.
Coding change: c.1754A>G on transcript NM_001201543.2 (MANE Select); coding-DNA position 1754, A replaced by G.
Protein change: p.Lys585Arg; replaces lysine 585 with arginine.
Molecular consequence: missense variant. On other transcripts: non-coding transcript variant (1).
Genome position (GRCh38, 1-based): chr2:61,836,107, T>C on the plus strand (A>G on the coding strand, the complement: FAM161A is on the minus strand). VCF-style: chr2-61836107-T-C. GRCh37 (hg19) VCF-style: chr2-62063242-T-C.
Other names: c.1586A>G, p.Lys529Arg (NM_032180.3); short protein forms K585R, K529R.
Identifiers: ClinVar variation 1971303 (VCV001971303.2), dbSNP rs779296159, ClinGen allele CA1679041.

ClinVar aggregate classification (germline): Uncertain significance (1 of 4 stars; one submission).

Allele frequency attached by ClinVar (database versions not stated): gnomAD 0.00001; gnomAD exomes 0.00001; TOPMed 0.00001; ExAC 0.00002.
gnomAD v4.1: 9 of 1,599,732 alleles (0.00056%); highest among the groups gnomAD compares: African/African-American, 0.0013%; no homozygotes.

Submission:

Labcorp Genetics (formerly Invitae), Labcorp
Classification: Uncertain significance. Last evaluated: 2022-08-21. Review status: criteria provided, single submitter. Criteria: Invitae Variant Classification Sherloc (09022015). Collection method: clinical testing. Allele origin: germline.
Comment: This sequence change replaces lysine, which is basic and polar, with arginine, which is basic and polar, at codon 585 of the FAM161A protein (p.Lys585Arg). This variant is present in population databases (rs779296159, gnomAD 0.002%). This variant has not been reported in the literature in individuals affected with FAM161A-related conditions. Algorithms developed to predict the effect of missense changes on protein structure and function output the following: SIFT: "Tolerated"; PolyPhen-2: "Benign"; Align-GVGD: "Class C0". The arginine amino acid residue is found in multiple mammalian species, which suggests that this missense change does not adversely affect protein function. Algorithms developed to predict the effect of sequence changes on RNA splicing suggest that this variant may create or strengthen a splice site. In summary, the available evidence is currently insufficient to determine the role of this variant in disease. Therefore, it has been classified as a Variant of Uncertain Significance.